The following is an entry in ClinVar:

ClinVar aggregate classification (germline): Likely benign (1 of 4 stars; one submission).

Allele frequency attached by ClinVar (database versions not stated): ExAC 0.00001; gnomAD exomes 0.00001; TOPMed 0.00002; gnomAD 0.00003; ESP Exome Variant Server 0.00009.
gnomAD v4.1: 18 of 1,186,560 alleles (0.0015%); highest among the groups gnomAD compares: East Asian, 0.024%; no homozygotes.

Submission:

CeGaT Center for Human Genetics Tuebingen
Classification: Likely benign. Last evaluated: 2025-09-01. Review status: criteria provided, single submitter. Criteria: CeGaT Center For Human Genetics Tuebingen Variant Classification Criteria Version 2. Collection method: clinical testing. Allele origin: germline. Affected: yes. Observed: 3 variant alleles.
Comment: AFF2: BP4

NM_002025.4(AFF2):c.1160C>A (p.Ser387Tyr)

Gene: AFF2 (ALF transcription elongation factor 2; plus strand). Cytogenetic location: Xq28.
Variant type: single nucleotide variant.
Coding change: c.1160C>A on transcript NM_002025.4 (MANE Select); coding-DNA position 1160, C replaced by A.
Protein change: p.Ser387Tyr; replaces serine 387 with tyrosine.
Molecular consequence: missense variant. On other transcripts: intron variant (4).
Genome position (GRCh38, 1-based): chrX:148,837,720, C>A. VCF-style: chrX-148837720-C-A. GRCh37 (hg19) VCF-style: chrX-147919244-C-A.
Other names: c.1148C>A, p.Ser383Tyr (NM_001169123.2); c.1087-5246C>A (NM_001169124.2); c.1075-5246C>A (NM_001169122.2, NM_001169125.2); c.97-5246C>A (NM_001170628.1); short protein forms S383Y, S387Y.
Identifiers: ClinVar variation 2661603 (VCV002661603.24), dbSNP rs373013286, ClinGen allele CA10536922.